The following is an entry in ClinVar:

ClinVar aggregate classification (germline): Likely benign. Review status: criteria provided, multiple submitters, no conflicts (2 of 4 stars). 3 submissions from 3 submitters: Likely benign (2). 1 of the submissions does not count toward it. Last evaluated 2026-01-26.

Conditions:
BNC2-related disorder. Also called: BNC2-related condition.

Allele frequency attached by ClinVar (database versions not stated): gnomAD 0.00063 and 0.00066; gnomAD exomes 0.00068; TOPMed 0.00068; ExAC 0.00077; ESP Exome Variant Server 0.00138.
gnomAD v4.1: 1,557 of 1,614,058 alleles (0.096%); highest among the groups gnomAD compares: Non-Finnish European, 0.11%; 1 homozygote.

Submissions (3):

Labcorp Genetics (formerly Invitae), Labcorp
Classification: Likely benign. Last evaluated: 2026-01-26. Review status: criteria provided, single submitter. Criteria: Invitae Variant Classification Sherloc (09022015). Collection method: clinical testing. Allele origin: germline.

Blueprint Genetics
Classification: Likely benign. Last evaluated: 2024-10-22. Review status: criteria provided, single submitter. Criteria: ACMG Guidelines, 2015. Collection method: clinical testing. Allele origin: germline.

PreventionGenetics, part of Exact Sciences
Classification: Likely benign for BNC2-related condition. Last evaluated: 2023-09-06. Review status: no assertion criteria provided. Collection method: clinical testing. Allele origin: germline. Not counted in ClinVar's aggregate classification.
Comment: This variant is classified as likely benign based on ACMG/AMP sequence variant interpretation guidelines (Richards et al. 2015 PMID: 25741868, with internal and published modifications).

NM_017637.6(BNC2):c.2159G>A (p.Arg720Gln)

Genes: BNC2 (basonuclin zinc finger protein 2; minus strand), LOC126860585 (MED14-independent group 3 enhancer GRCh37_chr9:16435259-16436458; plus strand). Cytogenetic location: 9p22.3.
Variant type: single nucleotide variant.
Coding change: c.2159G>A on transcript NM_017637.6 (MANE Select); coding-DNA position 2159, G replaced by A.
Protein change: p.Arg720Gln; replaces arginine 720 with glutamine.
Molecular consequence: missense variant.
Genome position (GRCh38, 1-based): chr9:16,436,035, C>T on the plus strand (G>A on the coding strand, the complement: BNC2 is on the minus strand). VCF-style: chr9-16436035-C-T. GRCh37 (hg19) VCF-style: chr9-16436033-C-T.
Other names: c.2033G>A, p.Arg678Gln (NM_001317939.2); c.1874G>A, p.Arg625Gln (NM_001317940.2); c.2159G>A (NM_017637.5); short protein forms R625Q, R720Q, R678Q.
Identifiers: ClinVar variation 1456811 (VCV001456811.11), dbSNP rs147575972, ClinGen allele CA4995952.